The following is an entry in ClinVar:

ClinVar aggregate classification (germline): Likely pathogenic (1 of 4 stars; one submission).

Submission:

Labcorp Genetics (formerly Invitae), Labcorp
Classification: Likely pathogenic. Last evaluated: 2024-01-24. Review status: criteria provided, single submitter. Criteria: Invitae Variant Classification Sherloc (09022015). Collection method: clinical testing. Allele origin: germline.
Comment: This sequence change affects an acceptor splice site in intron 12 of the TMC1 gene. It is expected to disrupt RNA splicing. Variants that disrupt the donor or acceptor splice site typically lead to a loss of protein function (PMID: 16199547), and loss-of-function variants in TMC1 are known to be pathogenic (PMID: 11850618, 22105175). This variant is not present in population databases (gnomAD no frequency). This variant has not been reported in the literature in individuals affected with TMC1-related conditions. Algorithms developed to predict the effect of sequence changes on RNA splicing suggest that this variant may disrupt the consensus splice site. In summary, the currently available evidence indicates that the variant is pathogenic, but additional data are needed to prove that conclusively. Therefore, this variant has been classified as Likely Pathogenic.

Literature cited by the submitters: PubMed 16199547; PubMed 11850618; PubMed 22105175.

NM_138691.3(TMC1):c.742-1G>A

Gene: TMC1 (transmembrane channel like 1; plus strand). Cytogenetic location: 9q21.13.
Variant type: single nucleotide variant.
Coding change: c.742-1G>A on transcript NM_138691.3 (MANE Select); the canonical splice acceptor site of the intron before coding-DNA position 742, G replaced by A.
Molecular consequence: splice acceptor variant.
Genome position (GRCh38, 1-based): chr9:72,772,412, G>A. VCF-style: chr9-72772412-G-A. GRCh37 (hg19) VCF-style: chr9-75387328-G-A.
Identifiers: ClinVar variation 2838315 (VCV002838315.3), dbSNP rs2489883042, ClinGen allele CA373502593.